The following is an entry in ClinVar:

ClinVar aggregate classification (germline): Pathogenic. Review status: criteria provided, multiple submitters, no conflicts (2 of 4 stars). 5 submissions from 5 submitters: Pathogenic (3). 2 of the submissions do not count toward it. Last evaluated 2026-05-19.

Conditions:
AGXT-related disorder. Also called: AGXT-related condition.
Primary hyperoxaluria, type I (HP1). Also called: GLYCOLIC ACIDURIA; HEPATIC AGT DEFICIENCY; Primary hyperoxaluria type 1; OXALOSIS I. Identifiers: Orphanet 416, Orphanet 93598, MedGen C0268164, MONDO:0009823, OMIM 259900. Disease mechanism: loss of function.

Allele frequency attached by ClinVar (database versions not stated): gnomAD 0.00001; gnomAD exomes 0.00001.
gnomAD v4.1: 6 of 1,613,440 alleles (0.00037%); highest among the groups gnomAD compares: South Asian, 0.0066%; no homozygotes.

Submissions (5):

GeneDx
Classification: Pathogenic. Last evaluated: 2026-05-19. Review status: criteria provided, single submitter. Criteria: GeneDx Variant Classification Process June 2021. Collection method: clinical testing. Allele origin: germline.
Comment: Canonical splice site variant predicted to result in a null allele in a gene for which loss of function is a known mechanism of disease; Not observed at significant frequency in large population cohorts (gnomAD); This variant is associated with the following publications: (PMID: 25629080)

Blueprint Genetics
Classification: Pathogenic for AGXT-related disorders. Last evaluated: 2024-10-23. Review status: criteria provided, single submitter. Criteria: ACMG Guidelines, 2015. Collection method: clinical testing. Allele origin: germline. Affected: yes. Observed: 1 variant allele.

Natera, Inc.
Classification: Pathogenic for Primary hyperoxaluria type I. Last evaluated: 2024-05-01. Review status: criteria provided, single submitter. Criteria: Natera Variant Classification Schema (03/2026). Collection method: clinical testing. Allele origin: germline.
Comment: The c.596-2A>G variant in AGXT is a canonical splice acceptor site variant predicted to affect pre-mRNA splicing, which may result in an abnormal transcript and altered protein product. This variant is expected to result in nonsense mediated decay, truncation, or a dysfunctional protein product. This variant is rare in the general population with a frequency below the threshold expected for the associated phenotype(s). This variant has been observed in one or more individuals affected with the associated recessive disease, as either homozygous or compound heterozygous with a second variant (PMID: 25629080). Given the available evidence, this variant is classified as Pathogenic.

Counsyl
Classification: Pathogenic for Primary hyperoxaluria, type I. Last evaluated: 2017-05-25. Review status: no assertion criteria provided. Collection method: clinical testing. Allele origin: unknown. Not counted in ClinVar's aggregate classification.

Clinical Biochemistry Laboratory, Health Services Laboratory
Classification: Pathogenic for Primary hyperoxaluria, type I. Last evaluated: 2014-11-27. Review status: no assertion criteria provided. Collection method: research. Allele origin: germline. Affected: yes. Not counted in ClinVar's aggregate classification.

Literature cited by the submitters: PubMed 25629080 (cited by Natera, Inc. and Counsyl).

NM_000030.3(AGXT):c.596-2A>G

Gene: AGXT (alanine--glyoxylate aminotransferase; plus strand). Cytogenetic location: 2q37.3.
Variant type: single nucleotide variant.
Coding change: c.596-2A>G on transcript NM_000030.3 (MANE Select); the canonical splice acceptor site of the intron before coding-DNA position 596, A replaced by G.
Molecular consequence: splice acceptor variant.
Genome position (GRCh38, 1-based): chr2:240,873,976, A>G. VCF-style: chr2-240873976-A-G. GRCh37 (hg19) VCF-style: chr2-241813393-A-G.
Identifiers: ClinVar variation 204166 (VCV000204166.7), dbSNP rs180177245, ClinGen allele CA275806.